The following is an entry in ClinVar:

ClinVar aggregate classification (germline): Uncertain significance. Review status: criteria provided, multiple submitters, no conflicts (2 of 4 stars). 2 submissions from 2 submitters: Uncertain significance (2). Last evaluated 2022-12-01.

Allele frequency attached by ClinVar (database versions not stated): ExAC 0.00003; ESP Exome Variant Server 0.00008.
gnomAD v4.1: 16 of 1,614,070 alleles (0.00099%); highest among the groups gnomAD compares: Admixed American, 0.0017%; no homozygotes.

Submissions (2):

CeGaT Center for Human Genetics Tuebingen
Classification: Uncertain significance. Last evaluated: 2022-12-01. Review status: criteria provided, single submitter. Criteria: CeGaT Center For Human Genetics Tuebingen Variant Classification Criteria Version 2. Collection method: clinical testing. Allele origin: germline. Affected: yes. Observed: 1 variant allele.
Comment: VPS13C: PM2, BP4

Breakthrough Genomics
Classification: Uncertain significance. Review status: criteria provided, single submitter. Criteria: ACMG Guidelines, 2015. Collection method: not provided. Allele origin: germline. Inheritance: Autosomal recessive inheritance. Affected: yes.

NM_020821.3(VPS13C):c.6357C>G (p.Ser2119Arg)

Gene: VPS13C (vacuolar protein sorting 13 homolog C; minus strand). Cytogenetic location: 15q22.2.
Variant type: single nucleotide variant.
Coding change: c.6357C>G on transcript NM_020821.3 (MANE Select); coding-DNA position 6357, C replaced by G.
Protein change: p.Ser2119Arg; replaces serine 2119 with arginine.
Molecular consequence: missense variant.
Genome position (GRCh38, 1-based): chr15:61,927,250, G>C on the plus strand (C>G on the coding strand, the complement: VPS13C is on the minus strand). VCF-style: chr15-61927250-G-C. GRCh37 (hg19) VCF-style: chr15-62219449-G-C.
Other names: c.6357C>G, p.Ser2119Arg (NM_001018088.3); c.6228C>G, p.Ser2076Arg (NM_017684.5, NM_018080.4); short protein forms S2076R, S2119R.
Identifiers: ClinVar variation 2645400 (VCV002645400.25), dbSNP rs138853397, ClinGen allele CA7595568.